The following is an entry in ClinVar:

NM_003105.6(SORL1):c.1030C>T (p.His344Tyr)

Gene: SORL1 (sortilin related receptor 1; plus strand). Cytogenetic location: 11q24.1.
Variant type: single nucleotide variant.
Coding change: c.1030C>T on transcript NM_003105.6 (MANE Select); coding-DNA position 1030, C replaced by T.
Protein change: p.His344Tyr; replaces histidine 344 with tyrosine.
Molecular consequence: missense variant.
Genome position (GRCh38, 1-based): chr11:121,513,093, C>T. VCF-style: chr11-121513093-C-T. GRCh37 (hg19) VCF-style: chr11-121383802-C-T.
Other names: short protein forms H344Y.
Identifiers: ClinVar variation 1914355 (VCV001914355.5), dbSNP rs2496814379, ClinGen allele CA383021483.

ClinVar aggregate classification (germline): Uncertain significance (1 of 4 stars; one submission).

Submission:

Labcorp Genetics (formerly Invitae), Labcorp
Classification: Uncertain significance. Last evaluated: 2022-05-27. Review status: criteria provided, single submitter. Criteria: Invitae Variant Classification Sherloc (09022015). Collection method: clinical testing. Allele origin: germline.
Comment: This sequence change replaces histidine, which is basic and polar, with tyrosine, which is neutral and polar, at codon 344 of the SORL1 protein (p.His344Tyr). This variant is not present in population databases (gnomAD no frequency). This variant has not been reported in the literature in individuals affected with SORL1-related conditions. Algorithms developed to predict the effect of missense changes on protein structure and function output the following: SIFT: "Tolerated"; PolyPhen-2: "Benign"; Align-GVGD: "Class C0". The tyrosine amino acid residue is found in multiple mammalian species, which suggests that this missense change does not adversely affect protein function. In summary, the available evidence is currently insufficient to determine the role of this variant in disease. Therefore, it has been classified as a Variant of Uncertain Significance.